The following is an entry in ClinVar:

NM_001370259.2(MEN1):c.808C>A (p.Leu270Met)

Gene: MEN1 (menin 1; minus strand). Cytogenetic location: 11q13.1.
Variant type: single nucleotide variant.
Coding change: c.808C>A on transcript NM_001370259.2 (MANE Select); coding-DNA position 808, C replaced by A.
Protein change: p.Leu270Met; replaces leucine 270 with methionine.
Molecular consequence: missense variant.
Genome position (GRCh38, 1-based): chr11:64,807,195, G>T on the plus strand (C>A on the coding strand, the complement: MEN1 is on the minus strand). VCF-style: chr11-64807195-G-T. GRCh37 (hg19) VCF-style: chr11-64574667-G-T.
Other names: c.823C>A, p.Leu275Met (NM_130800.3, NM_130801.3, NM_130802.3 and 3 more transcripts); c.808C>A, p.Leu270Met (NM_001370251.2, NM_001370260.2, NM_001370261.2 and 1 more transcripts); c.703C>A, p.Leu235Met (NM_001370262.2, NM_001370263.2); short protein forms L275M, L270M, L235M.
Identifiers: ClinVar variation 1513308 (VCV001513308.8), dbSNP rs371556177, ClinGen allele CA381183922.

ClinVar aggregate classification (germline): Uncertain significance (1 of 4 stars; one submission).

Conditions:
Multiple endocrine neoplasia, type 1 (MEN1). Also called: Endocrine adenomatosis multiple; MEN 1; MEA I; MEN I; WERMER SYNDROME. Identifiers: Orphanet 652, MedGen C0025267, MeSH D018761, MONDO:0007540, OMIM 131100.

Submission:

Labcorp Genetics (formerly Invitae), Labcorp
Classification: Uncertain significance for Multiple endocrine neoplasia, type 1. Last evaluated: 2021-02-24. Review status: criteria provided, single submitter. Criteria: Invitae Variant Classification Sherloc (09022015). Collection method: clinical testing. Allele origin: germline.
Comment: This sequence change replaces leucine with methionine at codon 270 of the MEN1 protein (p.Leu270Met). The leucine residue is moderately conserved and there is a small physicochemical difference between leucine and methionine. This variant is not present in population databases (ExAC no frequency). This variant has not been reported in the literature in individuals with MEN1-related conditions. Advanced modeling of protein sequence and biophysical properties (such as structural, functional, and spatial information, amino acid conservation, physicochemical variation, residue mobility, and thermodynamic stability) performed at Invitae indicates that this missense variant is not expected to disrupt MEN1 protein function. In summary, the available evidence is currently insufficient to determine the role of this variant in disease. Therefore, it has been classified as a Variant of Uncertain Significance.